The following is an entry in ClinVar:

NM_002430.3(MN1):c.2489C>A (p.Thr830Asn)

Gene: MN1 (MN1 proto-oncogene, transcriptional regulator; minus strand). Cytogenetic location: 22q12.1.
Variant type: single nucleotide variant.
Coding change: c.2489C>A on transcript NM_002430.3 (MANE Select); coding-DNA position 2489, C replaced by A.
Protein change: p.Thr830Asn; replaces threonine 830 with asparagine.
Molecular consequence: missense variant.
Genome position (GRCh38, 1-based): chr22:27,798,055, G>T on the plus strand (C>A on the coding strand, the complement: MN1 is on the minus strand). VCF-style: chr22-27798055-G-T. GRCh37 (hg19) VCF-style: chr22-28194043-G-T.
Other names: short protein forms T830N.
Identifiers: ClinVar variation 3893607 (VCV003893607.1).

ClinVar aggregate classification (germline): Uncertain significance (1 of 4 stars; one submission).

Submission:

GeneDx
Classification: Uncertain significance. Last evaluated: 2024-10-24. Review status: criteria provided, single submitter. Criteria: GeneDx Variant Classification Process June 2021. Collection method: clinical testing. Allele origin: germline. Affected: yes.
Comment: Not observed at significant frequency in large population cohorts (gnomAD); In silico analysis supports that this missense variant has a deleterious effect on protein structure/function; Has not been previously published as pathogenic or benign to our knowledge